The following is an entry in ClinVar:

NM_000124.4(ERCC6):c.*4019A>G

Gene: ERCC6 (ERCC excision repair 6, chromatin remodeling factor; minus strand). Cytogenetic location: 10q11.23.
Variant type: single nucleotide variant.
Coding change: c.*4019A>G on transcript NM_000124.4 (MANE Select); 4019 bases downstream of the stop codon, A replaced by G.
Molecular consequence: 3 prime UTR variant.
Genome position (GRCh38, 1-based): chr10:49,454,796, T>C on the plus strand (A>G on the coding strand, the complement: ERCC6 is on the minus strand). VCF-style: chr10-49454796-T-C. GRCh37 (hg19) VCF-style: chr10-50662842-T-C.
Other names: c.*4019A>G (NM_001346440.2).
Identifiers: ClinVar variation 877818 (VCV000877818.4), dbSNP rs569564278, ClinGen allele CA206612053.

ClinVar aggregate classification (germline): Conflicting classifications of pathogenicity. Review status: criteria provided, conflicting classifications (1 of 4 stars). 3 submissions from 1 submitter: Uncertain significance (2); Likely benign (1). Last evaluated 2018-01-13.

Conditions:
Cockayne syndrome type 2 (CSB). Also called: COCKAYNE SYNDROME B; Cockayne Syndrome, Type II. Identifiers: Orphanet 191, Orphanet 90322, MedGen C0751038, MONDO:0019570, OMIM 133540.
Age related macular degeneration 5. Identifiers: MedGen C3151063, MONDO:0013409, OMIM 613761.
Cerebrooculofacioskeletal syndrome 1 (COFS1). Also called: Cerebro-oculo-facio-skeletal syndrome 1. Identifiers: MedGen C0220722, MONDO:0008955, OMIM 214150.

Allele frequency attached by ClinVar (database versions not stated): 1000 Genomes Project 30x 0.00031; 1000 Genomes Project 0.00040; gnomAD 0.00046 and 0.00052; TOPMed 0.00052.
gnomAD v4.1: 71 of 152,296 alleles (0.047%); highest among the groups gnomAD compares: African/African-American, 0.16%; 1 homozygote.

Submissions (3):

Illumina Laboratory Services, Illumina
Classification: Likely benign for Age related macular degeneration 5. Last evaluated: 2018-01-13. Review status: criteria provided, single submitter. Criteria: ICSL Variant Classification Criteria 13 December 2019. Collection method: clinical testing. Allele origin: germline.
Comment: This variant was observed in the ICSL laboratory as part of a predisposition screen in an ostensibly healthy population. It had not been previously curated by ICSL or reported in the Human Gene Mutation Database (HGMD: prior to June 1st, 2018), and was therefore a candidate for classification through an automated scoring system. Utilizing variant allele frequency, disease prevalence and penetrance estimates, and inheritance mode, an automated score was calculated to assess if this variant is too frequent to cause the disease. Based on the score and internal cut-off values, a variant classified as likely benign is not then subjected to further curation. The score for this variant resulted in a classification of likely benign for this disease.

Illumina Laboratory Services, Illumina
Classification: Uncertain significance for Cockayne syndrome type 2. Last evaluated: 2018-01-13. Review status: criteria provided, single submitter. Criteria: ICSL Variant Classification Criteria 13 December 2019. Collection method: clinical testing. Allele origin: germline.

Illumina Laboratory Services, Illumina
Classification: Uncertain significance for Cerebrooculofacioskeletal syndrome 1. Last evaluated: 2018-01-13. Review status: criteria provided, single submitter. Criteria: ICSL Variant Classification Criteria 13 December 2019. Collection method: clinical testing. Allele origin: germline.